The following is an entry in ClinVar:

ClinVar aggregate classification (germline): Benign (1 of 4 stars; one submission).

Conditions:
Peters plus syndrome. Also called: KRAUSE-KIVLIN SYNDROME. Identifiers: Orphanet 709, MedGen C0796012, MONDO:0009856, OMIM 261540.

Allele frequency attached by ClinVar (database versions not stated): 1000 Genomes Project 0.00819; 1000 Genomes Project 30x 0.00843; TOPMed 0.00888.

Submission:

Illumina Laboratory Services, Illumina
Classification: Benign for Peters plus syndrome. Last evaluated: 2018-01-13. Review status: criteria provided, single submitter. Criteria: ICSL Variant Classification Criteria 13 December 2019. Collection method: clinical testing. Allele origin: germline.
Comment: This variant was observed in the ICSL laboratory as part of a predisposition screen in an ostensibly healthy population. It had not been previously curated by ICSL or reported in the Human Gene Mutation Database (HGMD: prior to June 1st, 2018), and was therefore a candidate for classification through an automated scoring system. Utilizing variant allele frequency, disease prevalence and penetrance estimates, and inheritance mode, an automated score was calculated to assess if this variant is too frequent to cause the disease. Based on the score and internal cut-off values, a variant classified as benign is not then subjected to further curation. The score for this variant resulted in a classification of benign for this disease.

NM_194318.4(B3GLCT):c.*2446A>G

Gene: B3GLCT (beta 3-glucosyltransferase; plus strand). Cytogenetic location: 13q12.3.
Variant type: single nucleotide variant.
Coding change: c.*2446A>G on transcript NM_194318.4 (MANE Select); 2446 bases downstream of the stop codon, A replaced by G.
Molecular consequence: 3 prime UTR variant.
Genome position (GRCh38, 1-based): chr13:31,332,114, A>G. VCF-style: chr13-31332114-A-G. GRCh37 (hg19) VCF-style: chr13-31906251-A-G.
Identifiers: ClinVar variation 880660 (VCV000880660.4), dbSNP rs9601137, ClinGen allele CA247893218.